The following is an entry in ClinVar:

NM_000038.6(APC):c.4721T>C (p.Ile1574Thr)

Gene: APC (APC regulator of Wnt signaling pathway; plus strand). Cytogenetic location: 5q22.2.
Variant type: single nucleotide variant.
Coding change: c.4721T>C on transcript NM_000038.6 (MANE Select); coding-DNA position 4721, T replaced by C.
Protein change: p.Ile1574Thr; replaces isoleucine 1574 with threonine.
Molecular consequence: missense variant.
Genome position (GRCh38, 1-based): chr5:112,840,315, T>C. VCF-style: chr5-112840315-T-C. GRCh37 (hg19) VCF-style: chr5-112176012-T-C.
Other names: c.4721T>C, p.Ile1574Thr (NM_001127510.3, NM_001354895.2); c.4667T>C, p.Ile1556Thr (NM_001127511.3); c.4775T>C, p.Ile1592Thr (NM_001354896.2); c.4751T>C, p.Ile1584Thr (NM_001354897.2); c.4646T>C, p.Ile1549Thr (NM_001354898.2); c.4637T>C, p.Ile1546Thr (NM_001354899.2); c.4598T>C, p.Ile1533Thr (NM_001354900.2); c.4544T>C, p.Ile1515Thr (NM_001354901.2); and 5 more; short protein forms I1291T, I1414T, I1448T, I1473T, I1483T, I1515T, I1533T, I1546T.
Identifiers: ClinVar variation 1053360 (VCV001053360.10), dbSNP rs2149922046, ClinGen allele CA16031686.

ClinVar aggregate classification (germline): Uncertain significance (1 of 4 stars; one submission).

Conditions:
Familial adenomatous polyposis 1 (FAP1). Also called: POLYPOSIS, ADENOMATOUS INTESTINAL; FAMILIAL ADENOMATOUS POLYPOSIS 1, ATTENUATED. Identifiers: MedGen C2713442, MONDO:0021056, OMIM 175100. Disease mechanism: loss of function.

Submission:

Labcorp Genetics (formerly Invitae), Labcorp
Classification: Uncertain significance for Familial adenomatous polyposis 1. Last evaluated: 2025-12-24. Review status: criteria provided, single submitter. Criteria: Invitae Variant Classification Sherloc (09022015). Collection method: clinical testing. Allele origin: germline.
Comment: This sequence change replaces isoleucine, which is neutral and non-polar, with threonine, which is neutral and polar, at codon 1574 of the APC protein (p.Ile1574Thr). This variant is not present in population databases (gnomAD no frequency). This variant has not been reported in the literature in individuals affected with APC-related conditions. ClinVar contains an entry for this variant (Variation ID: 1053360). Invitae Evidence Modeling of protein sequence and biophysical properties (such as structural, functional, and spatial information, amino acid conservation, physicochemical variation, residue mobility, and thermodynamic stability) indicates that this missense variant is not expected to disrupt APC protein function with a negative predictive value of 95%. In summary, the available evidence is currently insufficient to determine the role of this variant in disease. Therefore, it has been classified as a Variant of Uncertain Significance.